The following is an entry in ClinVar:

NM_000059.4(BRCA2):c.9432T>G (p.Ser3144=)

Gene: BRCA2 (BRCA2 DNA repair associated; plus strand). Cytogenetic location: 13q13.1.
Variant type: single nucleotide variant.
Coding change: c.9432T>G on transcript NM_000059.4 (MANE Select); coding-DNA position 9432, T replaced by G.
Protein change: p.Ser3144=; no amino-acid change (serine 3144 retained).
Molecular consequence: synonymous variant.
Genome position (GRCh38, 1-based): chr13:32,394,864, T>G. VCF-style: chr13-32394864-T-G. GRCh37 (hg19) VCF-style: chr13-32969001-T-G.
Identifiers: ClinVar variation 427498 (VCV000427498.4), dbSNP rs749636710, ClinGen allele CA6941383.

ClinVar aggregate classification (germline): Likely benign. Review status: reviewed by expert panel (3 of 4 stars). 2 submissions from 2 submitters: Likely benign (1). 1 of the submissions does not count toward it. Last evaluated 2017-06-29.

Conditions:
Hereditary cancer-predisposing syndrome. Also called: Hereditary neoplastic syndrome; Hereditary Cancer Syndrome; Neoplastic Syndromes, Hereditary; Tumor predisposition. Identifiers: Orphanet 140162, MedGen C0027672, MeSH D009386, MONDO:0015356.
Breast-ovarian cancer, familial, susceptibility to, 2 (BROVCA2). Also called: BRCA2 Hereditary Breast and Ovarian Cancer. Identifiers: Orphanet 145, MedGen C2675520, MONDO:0012933, OMIM 612555. Disease mechanism: loss of function.

Allele frequency attached by ClinVar (database versions not stated): gnomAD exomes below 0.00001; ExAC 0.00001.
gnomAD v4.1: 1 of 1,614,118 alleles (0.000062%); highest among the groups gnomAD compares: South Asian, 0.0011%; no homozygotes.

Submissions (2):

Evidence-based Network for the Interpretation of Germline Mutant Alleles (ENIGMA)
Classification: Likely benign for Breast-ovarian cancer, familial, susceptibility to, 2. Last evaluated: 2017-06-29. Review status: reviewed by expert panel. Criteria: ENIGMA BRCA1/2 Classification Criteria (2017-06-29). Collection method: curation. Allele origin: germline.
Comment: Synonymous substitution variant, with low bioinformatic likelihood to result in a splicing aberration (Splicing prior probability 0.02).

Ambry Genetics
Classification: Likely benign for Hereditary cancer-predisposing syndrome. Last evaluated: 2025-06-24. Review status: criteria provided, single submitter. Criteria: Ambry Variant Classification Scheme 2023. Collection method: clinical testing. Allele origin: germline. Not counted in ClinVar's aggregate classification.